The following is an entry in ClinVar:

NM_000553.6(WRN):c.206T>C (p.Ile69Thr)

Gene: WRN (WRN RecQ like helicase; plus strand). Cytogenetic location: 8p12.
Variant type: single nucleotide variant.
Coding change: c.206T>C on transcript NM_000553.6 (MANE Select); coding-DNA position 206, T replaced by C.
Protein change: p.Ile69Thr; replaces isoleucine 69 with threonine.
Molecular consequence: missense variant.
Genome position (GRCh38, 1-based): chr8:31,059,262, T>C. VCF-style: chr8-31059262-T-C. GRCh37 (hg19) VCF-style: chr8-30916778-T-C.
Other names: short protein forms I69T.
Identifiers: ClinVar variation 849989 (VCV000849989.6), dbSNP rs1024495075, ClinGen allele CA174839447.

ClinVar aggregate classification (germline): Uncertain significance (1 of 4 stars; one submission).

Conditions:
Werner syndrome (WRN). Identifiers: Orphanet 902, MedGen C0043119, MONDO:0010196, OMIM 277700.

Allele frequency attached by ClinVar (database versions not stated): gnomAD exomes below 0.00001; TOPMed below 0.00001.
gnomAD v4.1: 1 of 1,610,226 alleles (0.000062%); highest among the groups gnomAD compares: East Asian, 0.0022%; no homozygotes.

Submission:

Labcorp Genetics (formerly Invitae), Labcorp
Classification: Uncertain significance for Werner syndrome. Last evaluated: 2022-09-06. Review status: criteria provided, single submitter. Criteria: Invitae Variant Classification Sherloc (09022015). Collection method: clinical testing. Allele origin: germline.
Comment: In summary, the available evidence is currently insufficient to determine the role of this variant in disease. Therefore, it has been classified as a Variant of Uncertain Significance. Algorithms developed to predict the effect of missense changes on protein structure and function are either unavailable or do not agree on the potential impact of this missense change (SIFT: "Not Available"; PolyPhen-2: "Probably Damaging"; Align-GVGD: "Not Available"). ClinVar contains an entry for this variant (Variation ID: 849989). This variant has not been reported in the literature in individuals affected with WRN-related conditions. This variant is not present in population databases (gnomAD no frequency). This sequence change replaces isoleucine, which is neutral and non-polar, with threonine, which is neutral and polar, at codon 69 of the WRN protein (p.Ile69Thr).